The following is an entry in ClinVar:

NM_000428.3(LTBP2):c.253G>A (p.Val85Met)

Gene: LTBP2 (latent transforming growth factor beta binding protein 2; minus strand). Cytogenetic location: 14q24.3.
Variant type: single nucleotide variant.
Coding change: c.253G>A on transcript NM_000428.3 (MANE Select); coding-DNA position 253, G replaced by A.
Protein change: p.Val85Met; replaces valine 85 with methionine.
Molecular consequence: missense variant.
Genome position (GRCh38, 1-based): chr14:74,611,692, C>T on the plus strand (G>A on the coding strand, the complement: LTBP2 is on the minus strand). VCF-style: chr14-74611692-C-T. GRCh37 (hg19) VCF-style: chr14-75078395-C-T.
Other names: c.253G>A (NM_000428.2); short protein forms V85M.
Identifiers: ClinVar variation 1410380 (VCV001410380.6), dbSNP rs768818252, ClinGen allele CA7270238.

ClinVar aggregate classification (germline): Uncertain significance. Review status: criteria provided, multiple submitters, no conflicts (2 of 4 stars). 2 submissions from 2 submitters: Uncertain significance (2). Last evaluated 2021-08-28.

Conditions:
Inborn genetic diseases. Identifiers: MedGen C0950123, MeSH D030342.

Allele frequency attached by ClinVar (database versions not stated): gnomAD exomes 0.00001; ExAC 0.00002; TOPMed 0.00008; gnomAD 0.00016 and 0.00018.
gnomAD v4.1: 43 of 1,580,956 alleles (0.0027%); highest among the groups gnomAD compares: African/African-American, 0.054%; no homozygotes.

Submissions (2):

Labcorp Genetics (formerly Invitae), Labcorp
Classification: Uncertain significance. Last evaluated: 2021-08-28. Review status: criteria provided, single submitter. Criteria: Invitae Variant Classification Sherloc (09022015). Collection method: clinical testing. Allele origin: germline.
Comment: This sequence change replaces valine with methionine at codon 85 of the LTBP2 protein (p.Val85Met). The valine residue is weakly conserved and there is a small physicochemical difference between valine and methionine. This variant is present in population databases (rs768818252, ExAC 0.04%). This variant has not been reported in the literature in individuals affected with LTBP2-related conditions. Algorithms developed to predict the effect of missense changes on protein structure and function (SIFT, PolyPhen-2, Align-GVGD) all suggest that this variant is likely to be tolerated. In summary, the available evidence is currently insufficient to determine the role of this variant in disease. Therefore, it has been classified as a Variant of Uncertain Significance.

Ambry Genetics
Classification: Uncertain significance for Inborn genetic diseases. Last evaluated: 2021-08-17. Review status: criteria provided, single submitter. Criteria: Ambry Variant Classification Scheme 2023. Collection method: clinical testing. Allele origin: germline.